The following is an entry in ClinVar:

NM_001329943.3(KIAA0586):c.789A>G (p.Gln263=)

Gene: KIAA0586 (KIAA0586; plus strand). Cytogenetic location: 14q23.1.
Variant type: single nucleotide variant.
Coding change: c.789A>G on transcript NM_001329943.3 (MANE Select); coding-DNA position 789, A replaced by G.
Protein change: p.Gln263=; no amino-acid change (glutamine 263 retained).
Molecular consequence: synonymous variant.
Genome position (GRCh38, 1-based): chr14:58,444,157, A>G. VCF-style: chr14-58444157-A-G. GRCh37 (hg19) VCF-style: chr14-58910875-A-G.
Other names: c.948A>G, p.Gln316= (NM_001244189.2); c.744A>G, p.Gln248= (NM_001244190.2); c.534A>G, p.Gln178= (NM_001244191.2, NM_001329945.2, NM_001364700.1 and 1 more transcripts); c.657A>G, p.Gln219= (NM_001244192.2); c.369A>G, p.Gln123= (NM_001244193.2); c.789A>G, p.Gln263= (NM_001329944.2, NM_001329946.2, NM_001329947.2 and 1 more transcripts).
Identifiers: ClinVar variation 723778 (VCV000723778.13), dbSNP rs550354835, ClinGen allele CA7205472.

ClinVar aggregate classification (germline): Likely benign. Review status: criteria provided, multiple submitters, no conflicts (2 of 4 stars). 3 submissions from 3 submitters: Likely benign (2). 1 of the submissions does not count toward it. Last evaluated 2025-07-10.

Conditions:
Joubert syndrome 23 (JBTS23). Identifiers: Orphanet 475, MedGen C4084822, MONDO:0014664, OMIM 616490.
Short-rib thoracic dysplasia 14 with polydactyly (SRTD14). Identifiers: Orphanet 397715, MedGen C4225286, MONDO:0014688, OMIM 616546.
KIAA0586-related disorder. Also called: KIAA0586- Related disorders; KIAA0586-related condition.

Allele frequency attached by ClinVar (database versions not stated): ExAC 0.00001; gnomAD exomes 0.00001 and 0.00002; gnomAD 0.00009 and 0.00012; TOPMed 0.00016.
gnomAD v4.1: 43 of 1,608,494 alleles (0.0027%); highest among the groups gnomAD compares: African/African-American, 0.048%; 1 homozygote.

Submissions (3):

Labcorp Genetics (formerly Invitae), Labcorp
Classification: Likely benign for Joubert syndrome 23; Short-rib thoracic dysplasia 14 with polydactyly. Last evaluated: 2025-07-10. Review status: criteria provided, single submitter. Criteria: Invitae Variant Classification Sherloc (09022015). Collection method: clinical testing. Allele origin: germline.

Blueprint Genetics
Classification: Likely benign. Last evaluated: 2022-10-04. Review status: criteria provided, single submitter. Criteria: ACMG Guidelines, 2015. Collection method: clinical testing. Allele origin: germline.

PreventionGenetics, part of Exact Sciences
Classification: Likely benign for KIAA0586-related condition. Last evaluated: 2019-07-01. Review status: no assertion criteria provided. Collection method: clinical testing. Allele origin: germline. Not counted in ClinVar's aggregate classification.
Comment: This variant is classified as likely benign based on ACMG/AMP sequence variant interpretation guidelines (Richards et al. 2015 PMID: 25741868, with internal and published modifications).